The following is an entry in ClinVar:

NM_182961.4(SYNE1):c.16409A>G (p.Asp5470Gly)

Gene: SYNE1 (spectrin repeat containing nuclear envelope protein 1; minus strand). Cytogenetic location: 6q25.2.
Variant type: single nucleotide variant.
Coding change: c.16409A>G on transcript NM_182961.4 (MANE Select); coding-DNA position 16409, A replaced by G.
Protein change: p.Asp5470Gly; replaces aspartic acid 5470 with glycine.
Molecular consequence: missense variant.
Genome position (GRCh38, 1-based): chr6:152,318,244, T>C on the plus strand (A>G on the coding strand, the complement: SYNE1 is on the minus strand). VCF-style: chr6-152318244-T-C. GRCh37 (hg19) VCF-style: chr6-152639379-T-C.
Other names: c.16196A>G (NM_033071.3); c.16196A>G, p.Asp5399Gly (NM_033071.5); short protein forms D5399G, D5470G.
Identifiers: ClinVar variation 501297 (VCV000501297.18), dbSNP rs747824937, ClinGen allele CA4055511.

ClinVar aggregate classification (germline): Uncertain significance. Review status: criteria provided, multiple submitters, no conflicts (2 of 4 stars). 4 submissions from 4 submitters: Uncertain significance (4). Last evaluated 2025-09-05.

Conditions:
Emery-Dreifuss muscular dystrophy 4, autosomal dominant (EDMD4). Also called: EMERY-DREIFUSS MUSCULAR DYSTROPHY 4 WITH VARIABLE FEATURES. Identifiers: Orphanet 261, MedGen C2751807, MONDO:0013071, OMIM 612998.
Autosomal recessive ataxia, Beauce type. Also called: SYNE1 Deficiency; Spinocerebellar ataxia, autosomal recessive 8; ATAXIA, RECESSIVE, OF BEAUCE; SYNE1-Related Autosomal Recessive Cerebellar Ataxia. Identifiers: Orphanet 88644, MedGen C1853116, MONDO:0012549, OMIM 610743.

Allele frequency attached by ClinVar (database versions not stated): gnomAD 0.00001; ExAC 0.00002; gnomAD exomes 0.00002; TOPMed 0.00002.
gnomAD v4.1: 35 of 1,614,068 alleles (0.0022%); highest among the groups gnomAD compares: Non-Finnish European, 0.0028%; no homozygotes.

Submissions (5):

Labcorp Genetics (formerly Invitae), Labcorp
Classification: Uncertain significance for Emery-Dreifuss muscular dystrophy 4, autosomal dominant; Autosomal recessive ataxia, Beauce type. Last evaluated: 2025-09-05. Review status: criteria provided, single submitter. Criteria: Invitae Variant Classification Sherloc (09022015). Collection method: clinical testing. Allele origin: germline.
Comment: This sequence change replaces aspartic acid, which is acidic and polar, with glycine, which is neutral and non-polar, at codon 5399 of the SYNE1 protein (p.Asp5399Gly). This variant is present in population databases (rs747824937, gnomAD 0.004%). This variant has not been reported in the literature in individuals affected with SYNE1-related conditions. ClinVar contains an entry for this variant (Variation ID: 501297). An algorithm developed to predict the effect of missense changes on protein structure and function (PolyPhen-2) suggests that this variant is likely to be tolerated. In summary, the available evidence is currently insufficient to determine the role of this variant in disease. Therefore, it has been classified as a Variant of Uncertain Significance.

Revvity Omics, Revvity
Classification: Uncertain significance. Last evaluated: 2024-05-06. Review status: criteria provided, single submitter. Criteria: ACMG Guidelines, 2015. Collection method: clinical testing. Allele origin: germline.

Athena Diagnostics
Classification: Uncertain significance. Last evaluated: 2019-06-27. Review status: criteria provided, single submitter. Criteria: Athena Diagnostics Criteria. Collection method: clinical testing. Allele origin: germline.

Eurofins Ntd Llc (ga)
Classification: Uncertain significance. Last evaluated: 2017-04-13. Review status: criteria provided, single submitter. Criteria: EGL Classification Definitions 2015. Collection method: clinical testing. Allele origin: germline. Observed: 1 variant allele, 1 heterozygote.

Dr. Peter K. Rogan Lab, Western University
No classification provided (evidence only). Condition: Gastric cancer. Review status: no classification provided. Collection method: in vitro. Allele origin: not applicable. Functional consequence: retained intron. Not counted in ClinVar's aggregate classification.